The following is an entry in ClinVar:

ClinVar aggregate classification (germline): Likely pathogenic (1 of 4 stars; one submission).

Conditions:
ADNP-related multiple congenital anomalies - intellectual disability - autism spectrum disorder. Also called: Helsmoortel-Van der Aa Syndrome; ADNP-Related Helsmoortel-Van der Aa Syndrome. Identifiers: Orphanet 404448, MedGen C4014538, MONDO:0014379, OMIM 615873. Disease mechanism: loss of function.

Submission:

3billion
Classification: Likely pathogenic for ADNP-related multiple congenital anomalies - intellectual disability - autism spectrum disorder. Last evaluated: 2022-05-22. Review status: criteria provided, single submitter. Criteria: ACMG Guidelines, 2015. Collection method: clinical testing. Allele origin: germline. Affected: yes. Observed: 1 heterozygote.
Comment: The variant is not observed in the gnomAD v2.1.1 dataset. Stop-gained (nonsense): predicted to result in a loss or disruption of normal protein function through protein truncation. The predicted truncated protein may be shortened by more than 10%. Therefore, this variant is classified as likely pathogenic according to the recommendation of ACMG/AMP guideline.

NM_001282531.3(ADNP):c.2278G>T (p.Glu760Ter)

Gene: ADNP (activity dependent neuroprotector homeobox; minus strand). Cytogenetic location: 20q13.13.
Variant type: single nucleotide variant.
Coding change: c.2278G>T on transcript NM_001282531.3 (MANE Select); coding-DNA position 2278, G replaced by T.
Protein change: p.Glu760Ter; replaces glutamic acid 760 with a stop codon.
Molecular consequence: nonsense.
Genome position (GRCh38, 1-based): chr20:50,892,436, C>A on the plus strand (G>T on the coding strand, the complement: ADNP is on the minus strand). VCF-style: chr20-50892436-C-A. GRCh37 (hg19) VCF-style: chr20-49508973-C-A.
Other names: c.2278G>T, p.Glu760Ter (NM_001282532.2, NM_001347511.2, NM_015339.5 and 1 more transcripts); short protein forms E760*.
Identifiers: ClinVar variation 1687440 (VCV001687440.1), dbSNP rs1221864735, ClinGen allele CA408970802.